The following is an entry in ClinVar:

ClinVar aggregate classification (germline): Uncertain significance (1 of 4 stars; one submission).

Submission:

ARUP Laboratories, Molecular Genetics and Genomics, ARUP Laboratories
Classification: Uncertain significance. Last evaluated: 2024-02-02. Review status: criteria provided, single submitter. Criteria: ARUP Molecular Germline Variant Investigation Process 2024. Collection method: clinical testing. Allele origin: germline.
Comment: The HBB: c.419A>T; p.Asn140Ile variant (also known as Asn139Ile when numbered from the mature protein), to our knowledge, is not reported in the medical literature or gene specific databases. This variant is also absent from the Genome Aggregation Database (v2.1.1), indicating it is not a common polymorphism. Computational analyses are uncertain whether this variant is neutral or deleterious (REVEL: 0.506). However, other amino acid substitutions at this codon have been reported in individuals without clinical symptoms (His, Lys, Ser; see HbVar database, variant IDs: 3023, 553, 3170). Additionally, other amino acid substitutions at this codon have been reported in individuals with clinical symptoms (Asp, Thr, Tyr; see HbVar database, variant IDs: 552, 904, 554). Due to limited information on p.Asn140Ile, the clinical significance of this variant is uncertain at this time. References: Link to HbVar database

NM_000518.5(HBB):c.419A>T (p.Asn140Ile)

Genes: HBB (hemoglobin subunit beta; minus strand), LOC107133510 (origin of replication at HBB; plus strand), LOC110006319 (beta-globin gene 3' regulatory region; plus strand). Cytogenetic location: 11p15.4.
Variant type: single nucleotide variant.
Coding change: c.419A>T on transcript NM_000518.5 (MANE Select); coding-DNA position 419, A replaced by T.
Protein change: p.Asn140Ile; replaces asparagine 140 with isoleucine.
Molecular consequence: missense variant.
Genome position (GRCh38, 1-based): chr11:5,225,623, T>A on the plus strand (A>T on the coding strand, the complement: HBB is on the minus strand). VCF-style: chr11-5225623-T-A. GRCh37 (hg19) VCF-style: chr11-5246853-T-A.
Other names: short protein forms N140I.
Identifiers: ClinVar variation 3767085 (VCV003767085.1).
Genomic context (GRCh38, chr11:5,225,623, plus strand): 5'-ACCTTTAATAGAAATTGGACAGCAAGAAAGCGAGCTTAGTGATACTTGTGGGCCAGGGCA[T>A]TAGCCACACCAGCCACCACTTTCTGATAGGCAGCCTGCACTGGTGGGGTGAATTCTTTGC-3'
Protein context (NP_000509.1, residues 130-147): AYQKVVAGVA[Asn140Ile]ALAHKYH